The following is an entry in ClinVar:

NM_000075.4(CDK4):c.276G>A (p.Val92=)

Gene: CDK4 (cyclin dependent kinase 4; minus strand). Cytogenetic location: 12q14.1.
Variant type: single nucleotide variant.
Coding change: c.276G>A on transcript NM_000075.4 (MANE Select); coding-DNA position 276, G replaced by A.
Protein change: p.Val92=; no amino-acid change (valine 92 retained).
Molecular consequence: synonymous variant.
Genome position (GRCh38, 1-based): chr12:57,751,285, C>T on the plus strand (G>A on the coding strand, the complement: CDK4 is on the minus strand). VCF-style: chr12-57751285-C-T. GRCh37 (hg19) VCF-style: chr12-58145068-C-T.
Other names: c.276G>A (NM_000075.3).
Identifiers: ClinVar variation 1118259 (VCV001118259.11), dbSNP rs918094121, ClinGen allele CA237844407.
Genomic context (GRCh38, chr12:57,751,285, plus strand): 5'-CAAGCCTGGTGGGGGTGCCTTGTCCAGATATGTCCTTAGGTCCTGGTCTACATGCTCAAA[C>T]ACCAGGGTTACCTTGATCTCCCGGTCAGTTCGGGATGTGGCACAGACGTCCATCAGCCTG-3'
Protein context (NP_000066.1, residues 82-102): RTDREIKVTL[Val92=]FEHVDQDLRT

ClinVar aggregate classification (germline): Benign/Likely benign. Review status: criteria provided, multiple submitters, no conflicts (2 of 4 stars). 3 submissions from 3 submitters: Benign (1); Likely benign (2). Last evaluated 2024-09-25.

Conditions:
Hereditary cancer-predisposing syndrome. Also called: Neoplastic Syndromes, Hereditary; Hereditary Cancer Syndrome; Hereditary neoplastic syndrome; Tumor predisposition. Identifiers: Orphanet 140162, MedGen C0027672, MeSH D009386, MONDO:0015356.
Familial melanoma. Also called: Hereditary melanoma; Hereditary cutaneous melanoma. Identifiers: Orphanet 618, MedGen C1512419, MONDO:0018961.
Melanoma, cutaneous malignant, susceptibility to, 3. Also called: Cutaneous malignant melanoma 3. Identifiers: Orphanet 618, MedGen C1836892, MONDO:0012183, OMIM 609048.

Allele frequency attached by ClinVar (database versions not stated): TOPMed below 0.00001.

Submissions (3):

Myriad Genetics, Inc.
Classification: Benign for Melanoma, cutaneous malignant, susceptibility to, 3. Last evaluated: 2024-09-25. Review status: criteria provided, single submitter. Criteria: Myriad Autosomal Dominant, Autosomal Recessive and X-Linked Classification Criteria (2023). Collection method: clinical testing. Allele origin: unknown.
Comment: This variant is considered benign. This variant is a silent/synonymous amino acid change and it is not expected to impact splicing.

Ambry Genetics
Classification: Likely benign for Hereditary cancer-predisposing syndrome. Last evaluated: 2023-03-21. Review status: criteria provided, single submitter. Criteria: Ambry Variant Classification Scheme 2023. Collection method: clinical testing. Allele origin: germline.

Labcorp Genetics (formerly Invitae), Labcorp
Classification: Likely benign for Familial melanoma. Last evaluated: 2020-06-30. Review status: criteria provided, single submitter. Criteria: Invitae Variant Classification Sherloc (09022015). Collection method: clinical testing. Allele origin: germline.